The following is an entry in ClinVar:

NM_030958.3(SLCO5A1):c.662C>A (p.Pro221His)

Gene: SLCO5A1 (solute carrier organic anion transporter family member 5A1; minus strand). Cytogenetic location: 8q13.3.
Variant type: single nucleotide variant.
Coding change: c.662C>A on transcript NM_030958.3 (MANE Select); coding-DNA position 662, C replaced by A.
Protein change: p.Pro221His; replaces proline 221 with histidine.
Molecular consequence: missense variant.
Genome position (GRCh38, 1-based): chr8:69,832,012, G>T on the plus strand (C>A on the coding strand, the complement: SLCO5A1 is on the minus strand). VCF-style: chr8-69832012-G-T. GRCh37 (hg19) VCF-style: chr8-70744247-G-T.
Other names: c.662C>A, p.Pro221His (NM_001146008.2, NM_001146009.1); short protein forms P221H.
Identifiers: ClinVar variation 2885059 (VCV002885059.3), dbSNP rs762870502, ClinGen allele CA4776765.

ClinVar aggregate classification (germline): Uncertain significance (1 of 4 stars; one submission).

gnomAD v4.1: 37 of 1,601,898 alleles (0.0023%); highest among the groups gnomAD compares: Non-Finnish European, 0.0029%; no homozygotes.

Submission:

Labcorp Genetics (formerly Invitae), Labcorp
Classification: Uncertain significance. Last evaluated: 2023-02-16. Review status: criteria provided, single submitter. Criteria: Invitae Variant Classification Sherloc (09022015). Collection method: clinical testing. Allele origin: germline.
Comment: This sequence change replaces proline, which is neutral and non-polar, with histidine, which is basic and polar, at codon 221 of the SLCO5A1 protein (p.Pro221His). This variant is present in population databases (rs762870502, gnomAD 0.007%). This variant has not been reported in the literature in individuals affected with SLCO5A1-related conditions. An algorithm developed to predict the effect of missense changes on protein structure and function (PolyPhen-2) suggests that this variant is likely to be disruptive. In summary, the available evidence is currently insufficient to determine the role of this variant in disease. Therefore, it has been classified as a Variant of Uncertain Significance.